The following is an entry in ClinVar:

NM_001035.3(RYR2):c.13672C>G (p.His4558Asp)

Gene: RYR2 (ryanodine receptor 2; plus strand). Cytogenetic location: 1q43.
Variant type: single nucleotide variant.
Coding change: c.13672C>G on transcript NM_001035.3 (MANE Select); coding-DNA position 13672, C replaced by G.
Protein change: p.His4558Asp; replaces histidine 4558 with aspartic acid.
Molecular consequence: missense variant.
Genome position (GRCh38, 1-based): chr1:237,792,213, C>G. VCF-style: chr1-237792213-C-G. GRCh37 (hg19) VCF-style: chr1-237955513-C-G.
Other names: short protein forms H4558D.
Identifiers: ClinVar variation 1722046 (VCV001722046.6), dbSNP rs773264033, ClinGen allele CA345417485.

ClinVar aggregate classification (germline): Uncertain significance (1 of 4 stars; one submission).

Conditions:
Catecholaminergic polymorphic ventricular tachycardia 1. Also called: VENTRICULAR TACHYCARDIA, CATECHOLAMINERGIC POLYMORPHIC, 1, WITH OR WITHOUT ATRIAL DYSFUNCTION AND/OR DILATED CARDIOMYOPATHY; VENTRICULAR TACHYCARDIA, STRESS-INDUCED POLYMORPHIC 1; RYR2-Related Catecholaminergic Polymorphic Ventricular Tachycardia. Identifiers: Orphanet 3286, MedGen C1631597, MONDO:0011484, OMIM 604772.

Submission:

Labcorp Genetics (formerly Invitae), Labcorp
Classification: Uncertain significance for Catecholaminergic polymorphic ventricular tachycardia 1. Last evaluated: 2023-04-24. Review status: criteria provided, single submitter. Criteria: Invitae Variant Classification Sherloc (09022015). Collection method: clinical testing. Allele origin: germline.
Comment: In summary, the available evidence is currently insufficient to determine the role of this variant in disease. Therefore, it has been classified as a Variant of Uncertain Significance. Advanced modeling of protein sequence and biophysical properties (such as structural, functional, and spatial information, amino acid conservation, physicochemical variation, residue mobility, and thermodynamic stability) performed at Invitae indicates that this missense variant is not expected to disrupt RYR2 protein function. ClinVar contains an entry for this variant (Variation ID: 1722046). This variant has not been reported in the literature in individuals affected with RYR2-related conditions. This variant is not present in population databases (gnomAD no frequency). This sequence change replaces histidine, which is basic and polar, with aspartic acid, which is acidic and polar, at codon 4558 of the RYR2 protein (p.His4558Asp).